The following is an entry in ClinVar:

NM_006015.6(ARID1A):c.1314G>A (p.Ala438=)

Gene: ARID1A (AT-rich interaction domain 1A; plus strand). Cytogenetic location: 1p36.11.
Variant type: single nucleotide variant.
Coding change: c.1314G>A on transcript NM_006015.6 (MANE Select); coding-DNA position 1314, G replaced by A.
Protein change: p.Ala438=; no amino-acid change (alanine 438 retained).
Molecular consequence: synonymous variant.
Genome position (GRCh38, 1-based): chr1:26,729,827, G>A. VCF-style: chr1-26729827-G-A. GRCh37 (hg19) VCF-style: chr1-27056318-G-A.
Other names: c.1314G>A, p.Ala438= (NM_139135.4).
Identifiers: ClinVar variation 4709130 (VCV004709130.2).
Genomic context (GRCh38, chr1:26,729,827, plus strand): 5'-AGGGCAGCCATACGGGTCCCAGACCCCGCAGCGGTACCCGATGACCATGCAGGGCCGGGC[G>A]CAGAGTGCCATGGGCGGCCTCTCTTATACACAGCAGGTAGATGGTGATTGTGATTACCTT-3'
Protein context (NP_006006.3, residues 428-448): QRYPMTMQGR[Ala438=]QSAMGGLSYT

ClinVar aggregate classification (germline): Benign/Likely benign. Review status: criteria provided, multiple submitters, no conflicts (2 of 4 stars). 2 submissions from 2 submitters: Benign (1); Likely benign (1). Last evaluated 2025-03-17.

Conditions:
ARID1A-related disorder. Also called: ARID1A-related condition.

Submissions (2):

Labcorp Genetics (formerly Invitae), Labcorp
Classification: Benign. Last evaluated: 2025-03-17. Review status: criteria provided, single submitter. Criteria: Invitae Variant Classification Sherloc (09022015). Collection method: clinical testing. Allele origin: germline.

PreventionGenetics, part of Exact Sciences
Classification: Likely benign for ARID1A-related condition. Last evaluated: 2024-12-04. Review status: criteria provided, single submitter. Criteria: ACMG Guidelines, 2015. Collection method: clinical testing. Allele origin: germline.
Comment: This variant is classified as likely benign based on ACMG/AMP sequence variant interpretation guidelines (Richards et al. 2015 PMID: 25741868, with internal and published modifications).